The following is an entry in ClinVar:

ClinVar aggregate classification (germline): Benign. Review status: criteria provided, multiple submitters, no conflicts (2 of 4 stars). 2 submissions from 2 submitters: Benign (2). Last evaluated 2018-06-14.

Allele frequency attached by ClinVar (database versions not stated): 1000 Genomes Project 30x 0.14944; TOPMed 0.15003; 1000 Genomes Project 0.15335; gnomAD 0.15574 and 0.15752.
gnomAD v4.1: 23,885 of 152,100 alleles (16%); highest among the groups gnomAD compares: South Asian, 19%; 1,985 homozygotes.

Submissions (2):

GeneDx
Classification: Benign. Last evaluated: 2018-06-14. Review status: criteria provided, single submitter. Criteria: GeneDx Variant Classification (06012015). Collection method: clinical testing. Allele origin: germline. Affected: yes.
Comment: This variant is considered likely benign or benign based on one or more of the following criteria: it is a conservative change, it occurs at a poorly conserved position in the protein, it is predicted to be benign by multiple in silico algorithms, and/or has population frequency not consistent with disease.

Breakthrough Genomics
Classification: Benign. Review status: criteria provided, single submitter. Criteria: ACMG Guidelines, 2015. Collection method: not provided. Allele origin: germline. Inheritance: Autosomal dominant inheritance. Affected: yes.

NM_006516.4(SLC2A1):c.19-187C>A

Gene: SLC2A1 (solute carrier family 2 member 1; minus strand). Cytogenetic location: 1p34.2.
Variant type: single nucleotide variant.
Coding change: c.19-187C>A on transcript NM_006516.4 (MANE Select); 187 bases into the intron before coding-DNA position 19, C replaced by A.
Molecular consequence: intron variant.
Genome position (GRCh38, 1-based): chr1:42,943,508, G>T on the plus strand (C>A on the coding strand, the complement: SLC2A1 is on the minus strand). VCF-style: chr1-42943508-G-T. GRCh37 (hg19) VCF-style: chr1-43409179-G-T.
Identifiers: ClinVar variation 670109 (VCV000670109.2), dbSNP rs12718444, ClinGen allele CA10670030.